The following is an entry in ClinVar:

NM_000310.4(PPT1):c.362+5G>A

Gene: PPT1 (palmitoyl-protein thioesterase 1; minus strand). Cytogenetic location: 1p34.2.
Variant type: single nucleotide variant.
Coding change: c.362+5G>A on transcript NM_000310.4 (MANE Select); 5 bases into the intron after coding-DNA position 362, G replaced by A.
Molecular consequence: intron variant.
Genome position (GRCh38, 1-based): chr1:40,092,040, C>T on the plus strand (G>A on the coding strand, the complement: PPT1 is on the minus strand). VCF-style: chr1-40092040-C-T. GRCh37 (hg19) VCF-style: chr1-40557712-C-T.
Other names: c.125-2528G>A (NM_001142604.2); c.362+5G>A (NM_001363695.2).
Identifiers: ClinVar variation 206643 (VCV000206643.12), dbSNP rs796052924, ClinGen allele CA316926.

ClinVar aggregate classification (germline): Conflicting classifications of pathogenicity. Review status: criteria provided, conflicting classifications (1 of 4 stars). 7 submissions from 7 submitters: Pathogenic (1); Likely pathogenic (3); Uncertain significance (1). 2 of the submissions do not count toward it. Last evaluated 2026-07-28.

Conditions:
Neuronal ceroid lipofuscinosis 1 (CLN1). Also called: CEROID LIPOFUSCINOSIS, NEURONAL, 1, VARIABLE AGE AT ONSET; PPT1-Related Neuronal Ceroid-Lipofuscinosis. Identifiers: Orphanet 228329, MedGen C1850451, MONDO:0009744, OMIM 256730.

gnomAD v4.1: 1 of 1,613,860 alleles (0.000062%); highest among the groups gnomAD compares: African/African-American, 0.0013%; no homozygotes.

Submissions (7):

Myriad Genetics, Inc.
Classification: Uncertain significance for Neuronal ceroid lipofuscinosis 1. Last evaluated: 2026-07-28. Review status: criteria provided, single submitter. Criteria: Myriad Autosomal Dominant, Autosomal Recessive and X-Linked Classification Criteria (2023). Collection method: clinical testing. Allele origin: unknown.
Comment: NM_000310.3(PPT1):c.362+5G>A is an intronic variant classified as a variant of uncertain significance in the context of neuronal ceroid lipofuscinosis, PPT1-related. c.362+5G>A has been observed in a case with relevant disease (PMID: 33547378). Relevant functional assessments of this variant are not available in the literature. c.362+5G>A has not been observed in referenced population frequency databases. In summary, there is insufficient evidence to classify NM_000310.3(PPT1):c.362+5G>A as pathogenic or benign. Please note: this variant was assessed in the context of healthy population screening.

GeneDx
Classification: Likely pathogenic. Last evaluated: 2025-10-03. Review status: criteria provided, single submitter. Criteria: GeneDx Variant Classification Process June 2021. Collection method: clinical testing. Allele origin: germline. Affected: yes.
Comment: Intronic variant directly or indirectly altering the +5 splice site in a gene for which loss of function is a known mechanism of disease, and splice predictors support a deleterious effect; Not observed at significant frequency in large population cohorts (gnomAD); This variant is associated with the following publications: (PMID: 29655203, 33547378, 37597066)

Labcorp Genetics (formerly Invitae), Labcorp
Classification: Pathogenic for Neuronal ceroid lipofuscinosis 1. Last evaluated: 2025-01-27. Review status: criteria provided, single submitter. Criteria: Invitae Variant Classification Sherloc (09022015). Collection method: clinical testing. Allele origin: germline.
Comment: This sequence change falls in intron 3 of the PPT1 gene. It does not directly change the encoded amino acid sequence of the PPT1 protein. It affects a nucleotide within the consensus splice site. This variant is not present in population databases (gnomAD no frequency). This variant has been observed in individual(s) with neuronal ceroid lipofuscinosis and/or PPT1-related conditions (PMID: 29655203, 33547378, 37597066; internal data). In at least one individual the data is consistent with being in trans (on the opposite chromosome) from a pathogenic variant. ClinVar contains an entry for this variant (Variation ID: 206643). Variants that disrupt the consensus splice site are a relatively common cause of aberrant splicing (PMID: 17576681, 9536098). Algorithms developed to predict the effect of sequence changes on RNA splicing suggest that this variant may disrupt the consensus splice site. For these reasons, this variant has been classified as Pathogenic.

Fulgent Genetics
Classification: Likely pathogenic for Neuronal ceroid lipofuscinosis 1. Last evaluated: 2024-05-09. Review status: criteria provided, single submitter. Criteria: ACMG Guidelines, 2015. Collection method: clinical testing. Allele origin: germline.

Baylor Genetics
Classification: Likely pathogenic for Neuronal ceroid lipofuscinosis 1. Last evaluated: 2023-07-06. Review status: criteria provided, single submitter. Criteria: ACMG Guidelines, 2015. Collection method: clinical testing. Allele origin: unknown.

3billion
Classification: Uncertain significance for Neuronal ceroid lipofuscinosis 1. Review status: flagged submission. Criteria: ACMG Guidelines, 2015. Collection method: clinical testing. Allele origin: unknown. Affected: yes. Observed: 1 heterozygote. Not counted in ClinVar's aggregate classification.
Comment: The variant is not observed in the gnomAD v2.1.1 dataset. Intron variant. In silico tools predict the variant to alter splicing and produce an abnormal transcript (SpliceAI: 0.91). The variant has been reported to be associated with PPT1 related disorder (ClinVar ID: VCV000206643 / PMID: 29655203). However, the evidence of pathogenicity is insufficient at this time. Therefore, this variant is classified as Uncertain significance according to the recommendation of ACMG/AMP guideline.
ClinVar note: Reason: Claim with insufficient supporting evidence

Myelin Disorders Clinic-Children's Medical Center/Medical Genetics Lab-Tarbiat Modares University, Children's Medical Center, Pediatrics Center of Excellence,
Classification: Uncertain significance for Neuronal ceroid lipofuscinosis 1. Review status: flagged submission. Collection method: clinical testing. Allele origin: inherited. Inheritance: Autosomal recessive inheritance. Affected: yes. Observed: 1 variant allele, 1 homozygote. Not counted in ClinVar's aggregate classification.
ClinVar note: Reason: Claim with insufficient supporting evidence

Literature cited by the submitters: PubMed 33547378 (cited by Myriad Genetics, Inc. and Labcorp Genetics (formerly Invitae), Labcorp); PubMed 29655203 (cited by Labcorp Genetics (formerly Invitae), Labcorp and 3billion); PubMed 37597066 (cited by Labcorp Genetics (formerly Invitae), Labcorp); PubMed 17576681 (cited by Labcorp Genetics (formerly Invitae), Labcorp); PubMed 9536098 (cited by Labcorp Genetics (formerly Invitae), Labcorp).